The following is an entry in ClinVar:

NM_000199.5(SGSH):c.622C>T (p.Pro208Ser)

Gene: SGSH (N-sulfoglucosamine sulfohydrolase; minus strand). Cytogenetic location: 17q25.3.
Variant type: single nucleotide variant.
Coding change: c.622C>T on transcript NM_000199.5 (MANE Select); coding-DNA position 622, C replaced by T.
Protein change: p.Pro208Ser; replaces proline 208 with serine.
Molecular consequence: missense variant. On other transcripts: non-coding transcript variant (1).
Genome position (GRCh38, 1-based): chr17:80,214,213, G>A on the plus strand (C>T on the coding strand, the complement: SGSH is on the minus strand). VCF-style: chr17-80214213-G-A. GRCh37 (hg19) VCF-style: chr17-78188012-G-A.
Other names: c.622C>T, p.Pro208Ser (NM_001352921.3, NM_001352922.2); short protein forms P208S.
Identifiers: ClinVar variation 1987756 (VCV001987756.4), dbSNP rs1363663479, ClinGen allele CA401361856.

ClinVar aggregate classification (germline): Uncertain significance (1 of 4 stars; one submission).

Conditions:
Mucopolysaccharidosis, MPS-III-A (MPS3A). Also called: HEPARAN SULFATE SULFATASE DEFICIENCY; SANFILIPPO SYNDROME A; SULFAMIDASE DEFICIENCY; MPS III A; Mucopolysaccharidosis type IIIA (Sanfilippo A); Mucopolysaccharidosis, type IIIA. Identifiers: Orphanet 581, Orphanet 79269, MedGen C0086647, MONDO:0009655, OMIM 252900.

Submission:

Labcorp Genetics (formerly Invitae), Labcorp
Classification: Uncertain significance for Mucopolysaccharidosis, MPS-III-A. Last evaluated: 2023-05-23. Review status: criteria provided, single submitter. Criteria: Invitae Variant Classification Sherloc (09022015). Collection method: clinical testing. Allele origin: germline.
Comment: In summary, the available evidence is currently insufficient to determine the role of this variant in disease. Therefore, it has been classified as a Variant of Uncertain Significance. Advanced modeling of protein sequence and biophysical properties (such as structural, functional, and spatial information, amino acid conservation, physicochemical variation, residue mobility, and thermodynamic stability) performed at Invitae indicates that this missense variant is expected to disrupt SGSH protein function. ClinVar contains an entry for this variant (Variation ID: 1987756). This variant has not been reported in the literature in individuals affected with SGSH-related conditions. This variant is not present in population databases (gnomAD no frequency). This sequence change replaces proline, which is neutral and non-polar, with serine, which is neutral and polar, at codon 208 of the SGSH protein (p.Pro208Ser).